The following is an entry in ClinVar:

ClinVar aggregate classification (germline): Pathogenic (1 of 4 stars; one submission).

Conditions:
Familial cancer of breast. Also called: Hereditary breast cancer; hereditary breast carcinoma; BREAST CANCER, FAMILIAL. Identifiers: Orphanet 227535, MedGen C0346153, MONDO:0016419, OMIM 114480. Disease mechanism: loss of function.

Submission:

Labcorp Genetics (formerly Invitae), Labcorp
Classification: Pathogenic for Familial cancer of breast. Last evaluated: 2023-12-31. Review status: criteria provided, single submitter. Criteria: Invitae Variant Classification Sherloc (09022015). Collection method: clinical testing. Allele origin: germline.
Comment: This sequence change creates a premature translational stop signal (p.Lys543Phefs*31) in the PALB2 gene. It is expected to result in an absent or disrupted protein product. Loss-of-function variants in PALB2 are known to be pathogenic (PMID: 17200668, 17200671, 17200672, 24136930, 25099575). Information on the frequency of this variant in the gnomAD database is not available, as this variant may be reported differently in the database. This variant has not been reported in the literature in individuals affected with PALB2-related conditions. For these reasons, this variant has been classified as Pathogenic.

Literature cited by the submitters: PubMed 17200668; PubMed 17200671; PubMed 17200672; PubMed 24136930; PubMed 25099575.

NM_024675.4(PALB2):c.1627_1639delinsTT (p.Lys543fs)

Gene: PALB2 (partner and localizer of BRCA2; minus strand). Cytogenetic location: 16p12.2.
Variant type: Indel.
Coding change: c.1627_1639delinsTT on transcript NM_024675.4 (MANE Select); coding-DNA positions 1627 to 1639, AAGGAAGAAGTCA replaced by TT.
Protein change: p.Lys543fs; shifts the reading frame from lysine 543.
Molecular consequence: frameshift variant.
Genome position (GRCh38, 1-based): chr16:23,634,907-23,634,919, TGACTTCTTCCTT replaced by AA on the plus strand (AAGGAAGAAGTCA replaced by TT on the coding strand, the reverse complement: PALB2 is on the minus strand). VCF-style: chr16-23634907-TGACTTCTTCCTT-AA. GRCh37 (hg19) VCF-style: chr16-23646228-TGACTTCTTCCTT-AA.
Other names: c.1567_1579delAAGGAAGAAGTCAinsTT, p.Lys523Phefs (NM_001407296.1); c.1627_1639delAAGGAAGAAGTCAinsTT, p.Lys543Phefs (NM_001407297.1, NM_001407298.1, NM_001407299.1 and 3 more transcripts); c.742_754delAAGGAAGAAGTCAinsTT, p.Lys248Phefs (NM_001407304.1, NM_001407305.1, NM_001407306.1 and 5 more transcripts); short protein forms K543fs.
Identifiers: ClinVar variation 2105465 (VCV002105465.4), dbSNP rs2506470735, ClinGen allele CA2580091253.
Genomic context (GRCh38, chr16:23,634,907, plus strand): 5'-CACATCTTGATTTACCTTTCACTTGAATAAATAATTTTTCGTGCTGATATTTGTGTGAGG[TGACTTCTTCCTT>AA]GGACCTGTTAACAATCGACAGGCTAGAAGTTGGCAAAAGTGGTTCACAATGATCTGATGC-3'